The following is an entry in ClinVar:

NM_006979.3(SLC39A7):c.686C>T (p.Ala229Val)

Gene: SLC39A7 (solute carrier family 39 member 7; plus strand). Cytogenetic location: 6p21.32.
Variant type: single nucleotide variant.
Coding change: c.686C>T on transcript NM_006979.3 (MANE Select); coding-DNA position 686, C replaced by T.
Protein change: p.Ala229Val; replaces alanine 229 with valine.
Molecular consequence: missense variant.
Genome position (GRCh38, 1-based): chr6:33,202,314, C>T. VCF-style: chr6-33202314-C-T. GRCh37 (hg19) VCF-style: chr6-33170091-C-T.
Other names: c.686C>T (NM_006979.2); c.686C>T, p.Ala229Val (NM_001077516.2); c.311C>T, p.Ala104Val (NM_001288777.2); short protein forms A104V, A229V.
Identifiers: ClinVar variation 3603851 (VCV003603851.3).

ClinVar aggregate classification (germline): Uncertain significance. Review status: criteria provided, multiple submitters, no conflicts (2 of 4 stars). 2 submissions from 2 submitters: Uncertain significance (2). Last evaluated 2025-08-07.

Submissions (2):

Ambry Genetics
Classification: Uncertain significance. Last evaluated: 2025-08-07. Review status: criteria provided, single submitter. Criteria: Ambry Variant Classification Scheme 2023. Collection method: clinical testing. Allele origin: germline.

Labcorp Genetics (formerly Invitae), Labcorp
Classification: Uncertain significance. Last evaluated: 2024-05-10. Review status: criteria provided, single submitter. Criteria: Invitae Variant Classification Sherloc (09022015). Collection method: clinical testing. Allele origin: germline.
Comment: This sequence change replaces alanine, which is neutral and non-polar, with valine, which is neutral and non-polar, at codon 229 of the SLC39A7 protein (p.Ala229Val). This variant is present in population databases (rs759661006, gnomAD 0.01%). This variant has not been reported in the literature in individuals affected with SLC39A7-related conditions. An algorithm developed to predict the effect of missense changes on protein structure and function (PolyPhen-2) suggests that this variant is likely to be tolerated. Algorithms developed to predict the effect of sequence changes on RNA splicing suggest that this variant may create or strengthen a splice site. In summary, the available evidence is currently insufficient to determine the role of this variant in disease. Therefore, it has been classified as a Variant of Uncertain Significance.